The following is an entry in ClinVar:

ClinVar aggregate classification (germline): Likely benign (1 of 4 stars; one submission).

Submission:

GeneDx
Classification: Likely benign. Last evaluated: 2018-06-14. Review status: criteria provided, single submitter. Criteria: GeneDx Variant Classification (06012015). Collection method: clinical testing. Allele origin: germline. Affected: yes.
Comment: This variant is considered likely benign or benign based on one or more of the following criteria: it is a conservative change, it occurs at a poorly conserved position in the protein, it is predicted to be benign by multiple in silico algorithms, and/or has population frequency not consistent with disease.

NM_182961.4(SYNE1):c.310-415del

Gene: SYNE1 (spectrin repeat containing nuclear envelope protein 1; minus strand). Cytogenetic location: 6q25.2.
Variant type: Deletion.
Coding change: c.310-415del on transcript NM_182961.4 (MANE Select); 415 bases into the intron before coding-DNA position 310, one base deleted (A; older notation c.310-415delA).
Molecular consequence: intron variant.
Genome position (GRCh38, 1-based): chr6:152,511,518, T deleted on the plus strand (A on the coding strand, the reverse complement: SYNE1 is on the minus strand); the first of 2 consecutive T bases (chr6:152,511,518-152,511,519); deleting either gives the same sequence. VCF-style (leftmost placement, unchanged base first): chr6-152511517-GT-G. GRCh37 (hg19) VCF-style: chr6-152832652-GT-G.
Other names: c.330+53del (NM_033071.5).
Identifiers: ClinVar variation 673105 (VCV000673105.1), dbSNP rs139042013, ClinGen allele CA150244292.
Genomic context (GRCh38, chr6:152,511,517, plus strand): 5'-TGAGAAGTTTAAGAAGATGCACTTACTTTGAAGTTTGTTACCAAATAGCAGGTAACTTAT[GT>G]TCCCTTTTACCTATAAAAATCAGGAGTTAAGAATTCTAAAATTTGTACTAACCGGTGATC-3'